The following is an entry in ClinVar:

ClinVar aggregate classification (germline): Conflicting classifications of pathogenicity. Review status: criteria provided, conflicting classifications (1 of 4 stars). 6 submissions from 6 submitters: Uncertain significance (3); Likely benign (2). 1 of the submissions does not count toward it. Last evaluated 2026-05-30.

Conditions:
TRPV4-related disorder. Also called: TRPV4-related disorders; TRPV4-related condition.
Inborn genetic diseases. Identifiers: MedGen C0950123, MeSH D030342.
Charcot-Marie-Tooth disease. Also called: Charcot-Marie-Tooth Neuropathy; Charcot-Marie-Tooth Hereditary Neuropathy. Identifiers: Orphanet 166, MedGen C0007959, MONDO:0015626.
Tip-toe gait. Also called: Toe walking. Identifiers: MedGen C0427144, HP:0030051.
Charcot-Marie-Tooth disease axonal type 2C (HMSN2C). Also called: CHARCOT-MARIE-TOOTH DISEASE, AXONAL, AUTOSOMAL DOMINANT, TYPE 2C; Charcot-Marie-Tooth Neuropathy Type 2C; Charcot-Marie-Tooth Disease Type 2, TRPV4-Related (CMT2C). Identifiers: Orphanet 99937, MedGen C1853710, MONDO:0011633, OMIM 606071.

Allele frequency attached by ClinVar (database versions not stated): TOPMed 0.00007; gnomAD exomes 0.00010 and 0.00017; 1000 Genomes Project 30x 0.00016; gnomAD 0.00013; ESP Exome Variant Server 0.00023; ExAC 0.00012; 1000 Genomes Project 0.00020.
gnomAD v4.1: 255 of 1,613,392 alleles (0.016%); highest among the groups gnomAD compares: Non-Finnish European, 0.021%; no homozygotes.

Submissions (6):

PreventionGenetics, part of Exact Sciences
Classification: Uncertain significance for TRPV4-related condition. Last evaluated: 2026-05-30. Review status: criteria provided, single submitter. Criteria: ACMG Guidelines, 2015. Collection method: clinical testing. Allele origin: germline.
Comment: The TRPV4 c.137C>T variant is predicted to result in the amino acid substitution p.Ser46Phe. This variant has been reported as a variant of uncertain significance in a cohort study of individuals with Charcot-Marie-Tooth disease (Volodarsky et al. 2021. PubMed ID: 32376792). This variant is reported in 0.022% of alleles in individuals of European (Non-Finnish) descent in gnomAD. At this time, the clinical significance of this variant is uncertain due to the absence of conclusive functional and genetic evidence.

Labcorp Genetics (formerly Invitae), Labcorp
Classification: Likely benign for Charcot-Marie-Tooth disease axonal type 2C. Last evaluated: 2025-12-17. Review status: criteria provided, single submitter. Criteria: Invitae Variant Classification Sherloc (09022015). Collection method: clinical testing. Allele origin: germline.

Ambry Genetics
Classification: Likely benign for Inborn genetic diseases. Last evaluated: 2019-11-21. Review status: criteria provided, single submitter. Criteria: Ambry Variant Classification Scheme 2023. Collection method: clinical testing. Allele origin: germline.

GeneDx
Classification: Uncertain significance. Last evaluated: 2019-06-24. Review status: criteria provided, single submitter. Criteria: GeneDx Variant Classification Process June 2021. Collection method: clinical testing. Allele origin: germline. Affected: yes.
Comment: Has not been previously published as pathogenic or benign to our knowledge; In silico analysis, which includes protein predictors and evolutionary conservation, supports that this variant does not alter protein structure/function; This variant is associated with the following publications: (PMID: 32376792)

Molecular Genetics Laboratory, London Health Sciences Centre
Classification: Uncertain significance for Charcot-Marie-Tooth disease. Review status: criteria provided, single submitter. Criteria: ACMG Guidelines, 2015. Collection method: clinical testing. Allele origin: germline. Affected: yes.

Practice for Gait Abnormalities, David Pomarino, Competency Network Toe Walking C/o Practice Pomarino
Classification: Likely pathogenic for Tip-toe gait. Review status: no assertion criteria provided. Collection method: clinical testing. Allele origin: germline. Affected: yes. Not counted in ClinVar's aggregate classification.
Comment: Hereditary motor sensory neuropathy (HMSN), also known as Charcot-Marie-Tooth Disease (CMT), is the most commonly inherited peripheral polyneuropathy. It constitutes a group of inherited, progressive, motor and sensory peripheral nerve disorders with properties of demyelination, axonal degeneration, or both. It is classified by clinical characteristics, modes of inheritance, electrophysiologic features, metabolic defects, and specific gene markers. Our patients all walk on tiptoe, so they show similar symptoms. When we genetically test them with our toe walking panel, we find that around 90 per cent of them have a genetic variant that explains their toe walking. These can be assigned, for example, to the area of myopathies (such as variants of the COL6A3 gene), the area of hereditary neuropathies (such as variants of the KMT2C gene) or the area of metabolic diseases (such as variants of the PYGM gene). In a smaller group of patients with almost identical symptoms, no abnormality is found in the genes of our panel, but spastic paraplegia can be detected. In another small group of our toe walkers, no abnormalities can be detected in the genes analysed in our toe walking panel, nor do they suffer from spastic paraplegia, as is also the case with healthy children. In contrast to these, however, they show a tiptoe gait. These patients suffer from infantile cerebral palsy, in which toe walking can also be observed.

Literature cited by the submitters: PubMed 37091313 (cited by Practice for Gait Abnormalities, David Pomarino, Competency Network Toe Walking C/o Practice Pomarino).

NM_021625.5(TRPV4):c.137C>T (p.Ser46Phe)

Gene: TRPV4 (transient receptor potential cation channel subfamily V member 4; minus strand). Cytogenetic location: 12q24.11.
Variant type: single nucleotide variant.
Coding change: c.137C>T on transcript NM_021625.5 (MANE Select); coding-DNA position 137, C replaced by T.
Protein change: p.Ser46Phe; replaces serine 46 with phenylalanine.
Molecular consequence: missense variant. On other transcripts: intron variant (1).
Genome position (GRCh38, 1-based): chr12:109,814,660, G>A on the plus strand (C>T on the coding strand, the complement: TRPV4 is on the minus strand). VCF-style: chr12-109814660-G-A. GRCh37 (hg19) VCF-style: chr12-110252465-G-A.
Other names: c.80-45C>T (NM_001177431.1); c.137C>T, p.Ser46Phe (NM_001177428.2, NM_001177433.2, NM_147204.3); short protein forms S46F.
Identifiers: ClinVar variation 469035 (VCV000469035.18), dbSNP rs202066574, ClinGen allele CA6780616.